The following is an entry in ClinVar:

NM_001382508.1(DROSHA):c.20+9C>T

Gene: DROSHA (drosha ribonuclease III; minus strand). Cytogenetic location: 5p13.3.
Variant type: single nucleotide variant.
Coding change: c.20+9C>T on transcript NM_001382508.1 (MANE Select); 9 bases into the intron after coding-DNA position 20, C replaced by T.
Molecular consequence: intron variant.
Genome position (GRCh38, 1-based): chr5:31,529,031, G>A on the plus strand (C>T on the coding strand, the complement: DROSHA is on the minus strand). VCF-style: chr5-31529031-G-A. GRCh37 (hg19) VCF-style: chr5-31529138-G-A.
Other names: c.20+9C>T (NM_013235.5, NM_001100412.2).
Identifiers: ClinVar variation 3029590 (VCV003029590.2), dbSNP rs756841996, ClinGen allele CA3218062.
Genomic context (GRCh38, chr5:31,529,031, plus strand): 5'-AGCCCAGCACCAATGTCTGCTCCTCTCTCGGTTCTCCCAAACTATTGCCATTCCCATCAC[G>A]GCACTCACCATGTGTTTCCCTGCATCATGATGTTCCGCCTGGATATGTCACATCTTCCAC-3'

ClinVar aggregate classification (germline): Likely benign (0 of 4 stars; one submission).

Conditions:
DROSHA-related disorder. Also called: DROSHA-related condition.

Allele frequency attached by ClinVar (database versions not stated): gnomAD 0.00001; TOPMed 0.00002.
gnomAD v4.1: 73 of 1,612,798 alleles (0.0045%); highest among the groups gnomAD compares: Middle Eastern, 0.016%; no homozygotes.

Submission:

PreventionGenetics, part of Exact Sciences
Classification: Likely benign for DROSHA-related condition. Last evaluated: 2022-04-11. Review status: no assertion criteria provided. Collection method: clinical testing. Allele origin: germline.
Comment: This variant is classified as likely benign based on ACMG/AMP sequence variant interpretation guidelines (Richards et al. 2015 PMID: 25741868, with internal and published modifications).